The following is an entry in ClinVar:

NM_012213.3(MLYCD):c.164A>T (p.Glu55Val)

Genes: MLYCD (malonyl-CoA decarboxylase; plus strand), LOC130059554 (ATAC-STARR-seq lymphoblastoid silent region 7769; plus strand). Cytogenetic location: 16q23.3.
Variant type: single nucleotide variant.
Coding change: c.164A>T on transcript NM_012213.3 (MANE Select); coding-DNA position 164, A replaced by T.
Protein change: p.Glu55Val; replaces glutamic acid 55 with valine.
Molecular consequence: missense variant.
Genome position (GRCh38, 1-based): chr16:83,899,308, A>T. VCF-style: chr16-83899308-A-T. GRCh37 (hg19) VCF-style: chr16-83932913-A-T.
Other names: short protein forms E55V.
Identifiers: ClinVar variation 1018859 (VCV001018859.9), dbSNP rs1906688843, ClinGen allele CA396917774.

ClinVar aggregate classification (germline): Uncertain significance (1 of 4 stars; one submission).

Conditions:
Deficiency of malonyl-CoA decarboxylase. Also called: Malonic aciduria; MCD deficiency. Identifiers: Orphanet 943, MedGen C0342793, MONDO:0009556, OMIM 248360.

Submission:

Labcorp Genetics (formerly Invitae), Labcorp
Classification: Uncertain significance for Deficiency of malonyl-CoA decarboxylase. Last evaluated: 2020-10-28. Review status: criteria provided, single submitter. Criteria: Invitae Variant Classification Sherloc (09022015). Collection method: clinical testing. Allele origin: germline.
Comment: In summary, the available evidence is currently insufficient to determine the role of this variant in disease. Therefore, it has been classified as a Variant of Uncertain Significance. Algorithms developed to predict the effect of missense changes on protein structure and function are either unavailable or do not agree on the potential impact of this missense change (SIFT: "Deleterious"; PolyPhen-2: "Possibly Damaging"; Align-GVGD: "Class C0"). This variant has not been reported in the literature in individuals with MLYCD-related conditions. The frequency data for this variant in the population databases is considered unreliable, as metrics indicate insufficient coverage at this position in the ExAC database. This sequence change replaces glutamic acid with valine at codon 55 of the MLYCD protein (p.Glu55Val). The glutamic acid residue is moderately conserved and there is a moderate physicochemical difference between glutamic acid and valine.